The following is an entry in ClinVar:

ClinVar aggregate classification (germline): Conflicting classifications of pathogenicity. Review status: criteria provided, conflicting classifications (1 of 4 stars). 13 submissions from 12 submitters: Uncertain significance (8); Likely benign (3). 2 of the submissions do not count toward it. Last evaluated 2025-09-02.

Conditions:
Liddle syndrome 2. Identifiers: MedGen C4748251, MONDO:0020854, OMIM 618114.
Bronchiectasis with or without elevated sweat chloride 3 (BESC3). Identifiers: Orphanet 60033, MedGen C2751324, MONDO:0013112, OMIM 613071.
Pseudohypoaldosteronism, type IB1, autosomal recessive. Also called: Pseudohypoaldosteronism, Type I, Autosomal Recessive; Pseudohypoaldosteronism, Type I, Recessive; Autosomal recessive pseudohypoaldosteronism type 1; PHA I, AUTOSOMAL RECESSIVE. Identifiers: Orphanet 171876, Orphanet 756, MedGen C5774176, MONDO:0009917, OMIM 264350.
SCNN1G-related disorder. Also called: SCNN1G-Related Disorders; SCNN1G-related condition.
Pseudohypoaldosteronism, type IB3, autosomal recessive (PHA1B3). Identifiers: MedGen C5774256, MONDO:0859318, OMIM 620126.

Allele frequency attached by ClinVar (database versions not stated): 1000 Genomes Project 30x 0.00016; 1000 Genomes Project 0.00020; ESP Exome Variant Server 0.00046; TOPMed 0.00056; gnomAD exomes 0.00062 and 0.00091; gnomAD 0.00066 and 0.00069; ExAC 0.00074.
gnomAD v4.1: 1,421 of 1,613,944 alleles (0.088%); highest among the groups gnomAD compares: Non-Finnish European, 0.11%; no homozygotes.

Submissions (13):

Labcorp Genetics (formerly Invitae), Labcorp
Classification: Uncertain significance. Last evaluated: 2025-09-02. Review status: criteria provided, single submitter. Criteria: Invitae Variant Classification Sherloc (09022015). Collection method: clinical testing. Allele origin: germline.
Comment: This sequence change replaces asparagine, which is neutral and polar, with serine, which is neutral and polar, at codon 530 of the SCNN1G protein (p.Asn530Ser). This variant is present in population databases (rs148985177, gnomAD 0.1%), and has an allele count higher than expected for a pathogenic variant. This missense change has been observed in individual(s) with Liddle syndrome (PMID: 12473862). It has also been observed to segregate with disease in related individuals. ClinVar contains an entry for this variant (Variation ID: 318359). Invitae Evidence Modeling of protein sequence and biophysical properties (such as structural, functional, and spatial information, amino acid conservation, physicochemical variation, residue mobility, and thermodynamic stability) has been performed for this missense variant. However, the output from this modeling did not meet the statistical confidence thresholds required to predict the impact of this variant on SCNN1G protein function. Experimental studies have shown that this missense change affects SCNN1G function (PMID: 12473862, 26537344). In summary, the available evidence is currently insufficient to determine the role of this variant in disease. Therefore, it has been classified as a Variant of Uncertain Significance.

PreventionGenetics, part of Exact Sciences
Classification: Uncertain significance for SCNN1G-related condition. Last evaluated: 2025-08-31. Review status: criteria provided, single submitter. Criteria: ACMG Guidelines, 2015. Collection method: clinical testing. Allele origin: germline.
Comment: The SCNN1G c.1589A>G variant is predicted to result in the amino acid substitution p.Asn530Ser. This variant was reported in an individual with Liddle syndrome, and functional studies suggest that it results in a gain of function and increased epithelial Na+ channel (ENaC) activity compared to wild type (Hiltunen et al. 2002. PubMed ID: 12473862; Boiko et al. 2015. PubMed ID: 26537344). This variant is reported in 0.13% of alleles in individuals of European (Non-Finnish) descent in gnomAD. At this time, the clinical significance of this variant is uncertain due to the absence of conclusive functional and genetic evidence.

GeneDx
Classification: Uncertain significance. Last evaluated: 2025-03-21. Review status: criteria provided, single submitter. Criteria: GeneDx Variant Classification Process June 2021. Collection method: clinical testing. Allele origin: germline.
Comment: Observed in a young adult proband and parent with early onset hypertension and suspected Liddle syndrome, but was also present in a healthy blood donor and a control subject with low-normal blood pressure (PMID: 12473862); Published functional studies demonstrate a damaging gain-of-function effect, with N530S resulting in increased activity of epithelial sodium channels (PMID: 12473862, 26537344); In silico analysis supports that this missense variant has a deleterious effect on protein structure/function; This variant is associated with the following publications: (PMID: 35685915, 29534496, 29229744, 26537344, 31655555, 35661050, 30028216, 12473862)

Blueprint Genetics
Classification: Likely benign. Last evaluated: 2024-10-01. Review status: criteria provided, single submitter. Criteria: ACMG Guidelines, 2015. Collection method: clinical testing. Allele origin: germline.

Fulgent Genetics
Classification: Uncertain significance for Bronchiectasis with or without elevated sweat chloride 3; Liddle syndrome 2; Pseudohypoaldosteronism, type IB3, autosomal recessive. Last evaluated: 2024-05-03. Review status: criteria provided, single submitter. Criteria: ACMG Guidelines, 2015. Collection method: clinical testing. Allele origin: germline.

Women's Health and Genetics/Laboratory Corporation of America, LabCorp
Classification: Uncertain significance. Last evaluated: 2024-05-02. Review status: criteria provided, single submitter. Criteria: LabCorp Variant Classification Summary - May 2015. Collection method: clinical testing. Allele origin: germline.
Comment: Variant summary: SCNN1G c.1589A>G (p.Asn530Ser) results in a conservative amino acid change in the encoded protein sequence. Three of five in-silico tools predict a damaging effect of the variant on protein function. The variant allele was found at a frequency of 0.00062 in 251320 control chromosomes. This frequency does not allow any conclusion about variant significance. c.1589A>G has been reported in the literature in the heterozygous state in at least one family affected with Liddle syndrome where it segregated with disease (e.g. Hiltunen_2002). Experimental in vitro studies in CHO cells and xenopus oocytes showed that this variant increases ENaC activity compared to wildtype (e.g. Boiko_2015, Hiltunen_2002). The following publications have been ascertained in the context of this evaluation (PMID: 26537344, 12473862). ClinVar contains an entry for this variant (Variation ID: 318359). Based on the evidence outlined above, the variant was classified as VUS-possibly pathogenic.

MVZ Medizinische Genetik Mainz
Classification: Uncertain significance for Liddle syndrome 2. Last evaluated: 2024-01-31. Review status: criteria provided, single submitter. Criteria: UK Practice Guidelines For Variant Classification V4 01 2020. Collection method: clinical testing. Allele origin: germline. Inheritance: Autosomal dominant inheritance. Affected: yes. Observed: 1 variant allele.
Comment: ACMG Criteria: PS3_MOD,PS4_SUP,PP4,BS1_SUP

Johns Hopkins Genomics, Johns Hopkins University
Classification: Uncertain significance for Bronchiectasis with or without elevated sweat chloride 3. Last evaluated: 2020-01-15. Review status: criteria provided, single submitter. Criteria: ACMG Guidelines, 2015. Collection method: clinical testing. Allele origin: germline.
Comment: This SCNN1G variant has been reported in multiple patients with Liddle syndrome. A functional study demonstrates that this variant increases ENaC activity and, thus, also increases the channel open probability, which is consistent with an abnormally high sodium reabsorption in the distal nephron. This variant (rs148985177) has been identified in a large population dataset and the minor allele frequency is neither low enough to consider the variant rare (<0.1%) nor high enough to consider it a population polymorphism (>1%) within the non-Finnish European subpopulation (gnomAD: 169/129046 alleles; 0.13%, no homozygotes). A single submitter in ClinVar classifies this variant as likely benign. Of three bioinformatics tools queried, two predict that the substitution would be damaging, while one predicts that it would be tolerated and the asparagine residue at this position is highly evolutionarily conserved across all species assessed. Due to insufficient evidence, we consider the clinical significance of c.1589A>G to be uncertain at this time.

Baylor Genetics
Classification: Uncertain significance for Bronchiectasis with or without elevated sweat chloride 3. Last evaluated: 2019-06-30. Review status: criteria provided, single submitter. Criteria: ACMG Guidelines, 2015. Collection method: clinical testing. Allele origin: unknown. Affected: yes.
Comment: This variant was determined to be of uncertain significance according to ACMG Guidelines, 2015 [PMID:25741868].

Illumina Laboratory Services, Illumina
Classification: Likely benign for Pseudohypoaldosteronism, type IB1, autosomal recessive. Last evaluated: 2017-04-27. Review status: criteria provided, single submitter. Criteria: ICSL Variant Classification Criteria 13 December 2019. Collection method: clinical testing. Allele origin: germline.
Comment: This variant was observed as part of a predisposition screen in an ostensibly healthy population. A literature search was performed for the gene, cDNA change, and amino acid change (where applicable). No publications were found based on this search. Allele frequency data from public databases allowed determination this variant is unlikely to cause disease. Therefore, this variant is classified as likely benign.

Illumina Laboratory Services, Illumina
Classification: Likely benign for Liddle syndrome 2. Last evaluated: 2017-04-27. Review status: criteria provided, single submitter. Criteria: ICSL Variant Classification Criteria 13 December 2019. Collection method: clinical testing. Allele origin: germline.
Comment: This variant was observed as part of a predisposition screen in an ostensibly healthy population. A literature search was performed for the gene, cDNA change, and amino acid change (where applicable). Publications were found based on this search. The evidence from the literature, in combination with allele frequency data from public databases where available, was sufficient to determine this variant is unlikely to cause disease. Therefore, this variant is classified as likely benign.

Undiagnosed Diseases Network, NIH
Classification: Uncertain significance for SCNN1G-related condition. Last evaluated: 2024-04-29. Review status: no assertion criteria provided. Collection method: clinical testing. Allele origin: unknown. Affected: yes. Observed: 1 variant allele, 1 heterozygote. Study: Undiagnosed Diseases Network (NIH), UDN. Not counted in ClinVar's aggregate classification.

OMIM
Classification: Pathogenic for LIDDLE SYNDROME 2. Last evaluated: 2018-09-27. Review status: no assertion criteria provided. Collection method: literature only. Allele origin: germline. Not counted in ClinVar's aggregate classification.

Literature cited by the submitters: PubMed 12473862 (cited by 5 submitters); PubMed 26537344 (cited by 4 submitters); PubMed 31655555 (cited by Johns Hopkins Genomics, Johns Hopkins University); PubMed 29229744 (cited by Johns Hopkins Genomics, Johns Hopkins University); PubMed 21956615 (cited by Illumina Laboratory Services, Illumina); PubMed 24882431 (cited by Illumina Laboratory Services, Illumina); PubMed 17634077 (cited by Illumina Laboratory Services, Illumina).

NM_001039.4(SCNN1G):c.1589A>G (p.Asn530Ser)

Gene: SCNN1G (sodium channel epithelial 1 subunit gamma; plus strand). Cytogenetic location: 16p12.2.
Variant type: single nucleotide variant.
Coding change: c.1589A>G on transcript NM_001039.4 (MANE Select); coding-DNA position 1589, A replaced by G.
Protein change: p.Asn530Ser; replaces asparagine 530 with serine.
Molecular consequence: missense variant.
Genome position (GRCh38, 1-based): chr16:23,215,108, A>G. VCF-style: chr16-23215108-A-G. GRCh37 (hg19) VCF-style: chr16-23226429-A-G.
Other names: c.1589A>G; short protein forms N530S.
Identifiers: ClinVar variation 318359 (VCV000318359.21), dbSNP rs148985177, ClinGen allele CA7959943.